The following is an entry in ClinVar:

NM_000218.3(KCNQ1):c.1964C>G (p.Pro655Arg)

Genes: KCNQ1 (potassium voltage-gated channel subfamily Q member 1; plus strand), KCNQ1-AS1 (KCNQ1 antisense RNA 1; minus strand). Cytogenetic location: 11p15.4.
Variant type: single nucleotide variant.
Coding change: c.1964C>G on transcript NM_000218.3 (MANE Select); coding-DNA position 1964, C replaced by G.
Protein change: p.Pro655Arg; replaces proline 655 with arginine.
Molecular consequence: missense variant.
Genome position (GRCh38, 1-based): chr11:2,847,936, C>G. VCF-style: chr11-2847936-C-G. GRCh37 (hg19) VCF-style: chr11-2869166-C-G.
Other names: c.1868C>G, p.Pro623Arg (NM_001406836.1); c.1694C>G, p.Pro565Arg (NM_001406837.1); c.1424C>G, p.Pro475Arg (NM_001406838.1); c.476C>G, p.Pro159Arg (NM_001406839.1); c.1583C>G, p.Pro528Arg (NM_181798.2); short protein forms P655R, P159R, P475R, P528R, P565R, P623R.
Identifiers: ClinVar variation 4827476 (VCV004827476.1).
Genomic context (GRCh38, chr11:2,847,936, plus strand): 5'-GGGCCCACATCACCCAGCCCTGCGGCAGTGGCGGCTCCGTCGACCCTGAGCTCTTCCTGC[C>G]CAGCAACACCCTGCCCACCTACGAGCAGCTGACCGTGCCCAGGAGGGGCCCCGATGAGGG-3'
Protein context (NP_000209.2, residues 645-665): GGSVDPELFL[Pro655Arg]SNTLPTYEQL

ClinVar aggregate classification (germline): Uncertain significance (1 of 4 stars; one submission).

Conditions:
Cardiovascular phenotype. Identifiers: MedGen CN230736.

gnomAD v4.1: 1 of 1,573,772 alleles (0.000064%); highest among the groups gnomAD compares: South Asian, 0.0012%; no homozygotes.

Submission:

Ambry Genetics
Classification: Uncertain significance for Cardiovascular phenotype. Last evaluated: 2026-02-22. Review status: criteria provided, single submitter. Criteria: Ambry Variant Classification Scheme 2023. Collection method: clinical testing. Allele origin: germline.
Comment: The p.P655R variant (also known as c.1964C>G), located in coding exon 16 of the KCNQ1 gene, results from a C to G substitution at nucleotide position 1964. The proline at codon 655 is replaced by arginine, an amino acid with dissimilar properties. This amino acid position is conserved. In addition, this alteration is predicted to be deleterious by in silico analysis. Based on the available evidence, the clinical significance of this variant remains unclear.